The following is an entry in ClinVar:

ClinVar aggregate classification (germline): Benign/Likely benign. Review status: criteria provided, multiple submitters, no conflicts (2 of 4 stars). 2 submissions from 2 submitters: Benign (1); Likely benign (1). Last evaluated 2025-05-08.

Submissions (4):

Mayo Clinic Laboratories, Mayo Clinic
Classification: Benign. Last evaluated: 2025-05-08. Review status: criteria provided, single submitter. Criteria: ACMG Guidelines, 2015. Collection method: clinical testing. Allele origin: germline. Observed: 1 variant allele.
Comment: BA1, BP4, BP7

Blueprint Genetics
Classification: Likely benign. Last evaluated: 2024-10-24. Review status: criteria provided, single submitter. Criteria: ACMG Guidelines, 2015. Collection method: clinical testing. Allele origin: germline.

Dr. Peter K. Rogan Lab, Western University
No classification provided (evidence only). Condition: Colon adenocarcinoma. Review status: no classification provided. Collection method: in vitro. Allele origin: not applicable. Functional consequence: retained intron. Not counted in ClinVar's aggregate classification.

Dr. Peter K. Rogan Lab, Western University
No classification provided (evidence only). Condition: Gastric cancer. Review status: no classification provided. Collection method: in vitro. Allele origin: not applicable. Functional consequence: retained intron. Not counted in ClinVar's aggregate classification.

NM_006939.4(SOS2):c.2786-7_2786-6del

Gene: SOS2 (SOS Ras/Rho guanine nucleotide exchange factor 2; minus strand). Cytogenetic location: 14q21.3.
Variant type: Deletion.
Coding change: c.2786-7_2786-6del on transcript NM_006939.4 (MANE Select); 7 bases into the intron before coding-DNA position 2786 through 6 bases into the intron before coding-DNA position 2786, 2 bases deleted (TT; older notation c.2786-7_2786-6delTT).
Molecular consequence: intron variant.
Genome position (GRCh38, 1-based): chr14:50,138,790-50,138,791, AA deleted on the plus strand (TT on the coding strand, the reverse complement: SOS2 is on the minus strand); deleting any 2 consecutive bases within chr14:50,138,790-50,138,802 gives the same sequence; the c. name uses the placement nearest the transcript's 3' end. VCF-style (leftmost placement, unchanged base first): chr14-50138789-TAA-T. GRCh37 (hg19) VCF-style: chr14-50605507-TAA-T.
Other names: NC_000014.8:g.50605519_50605520del; p.?; c.2687-7_2687-6del (NM_001411020.1); c.2786-18_2786-17del (NM_006939.4).
Identifiers: ClinVar variation 4284520 (VCV004284520.3).